The following is an entry in ClinVar:

NM_031885.5(BBS2):c.701G>A (p.Arg234Gln)

Gene: BBS2 (Bardet-Biedl syndrome 2; minus strand). Cytogenetic location: 16q13.
Variant type: single nucleotide variant.
Coding change: c.701G>A on transcript NM_031885.5 (MANE Select); coding-DNA position 701, G replaced by A.
Protein change: p.Arg234Gln; replaces arginine 234 with glutamine.
Molecular consequence: missense variant. On other transcripts: non-coding transcript variant (5).
Genome position (GRCh38, 1-based): chr16:56,506,136, C>T on the plus strand (G>A on the coding strand, the complement: BBS2 is on the minus strand). VCF-style: chr16-56506136-C-T. GRCh37 (hg19) VCF-style: chr16-56540048-C-T.
Other names: c.701G>A, p.Arg234Gln (NM_001377456.1); c.701G>A (NM_031885.3); short protein forms R234Q.
Identifiers: ClinVar variation 2146477 (VCV002146477.2), dbSNP rs138433630, ClinGen allele CA8065960.

ClinVar aggregate classification (germline): Uncertain significance. Review status: criteria provided, multiple submitters, no conflicts (2 of 4 stars). 2 submissions from 2 submitters: Uncertain significance (2). Last evaluated 2026-08-06.

Conditions:
BBS2-related disorder. Also called: BBS2-related condition; BBS2-related disorders. Identifiers: MedGen CN239228.
Bardet-Biedl syndrome (BBS). Identifiers: Orphanet 110, MedGen C0752166, MONDO:0015229.

Allele frequency attached by ClinVar (database versions not stated): TOPMed 0.00002; ESP Exome Variant Server 0.00008.
gnomAD v4.1: 17 of 1,613,566 alleles (0.0011%); highest among the groups gnomAD compares: Admixed American, 0.0033%; no homozygotes.

Submissions (2):

PreventionGenetics, part of Exact Sciences
Classification: Uncertain significance for BBS2-related condition. Last evaluated: 2026-08-06. Review status: criteria provided, single submitter. Criteria: ACMG Guidelines, 2015. Collection method: clinical testing. Allele origin: germline.
Comment: The BBS2 c.701G>A variant is predicted to result in the amino acid substitution p.Arg234Gln. To our knowledge, this variant has not been reported in the literature. This variant is reported in 0.0044% of alleles in individuals of European (Non-Finnish) descent in gnomAD. At this time, the clinical significance of this variant is uncertain due to the absence of conclusive functional and genetic evidence.

Labcorp Genetics (formerly Invitae), Labcorp
Classification: Uncertain significance for Bardet-Biedl syndrome. Last evaluated: 2022-06-14. Review status: criteria provided, single submitter. Criteria: Invitae Variant Classification Sherloc (09022015). Collection method: clinical testing. Allele origin: germline.
Comment: This sequence change replaces arginine, which is basic and polar, with glutamine, which is neutral and polar, at codon 234 of the BBS2 protein (p.Arg234Gln). This variant is present in population databases (rs138433630, gnomAD 0.004%). This variant has not been reported in the literature in individuals affected with BBS2-related conditions. Algorithms developed to predict the effect of missense changes on protein structure and function (SIFT, PolyPhen-2, Align-GVGD) all suggest that this variant is likely to be disruptive. In summary, the available evidence is currently insufficient to determine the role of this variant in disease. Therefore, it has been classified as a Variant of Uncertain Significance.